The following is an entry in ClinVar:

ClinVar aggregate classification (germline): Uncertain significance. Review status: criteria provided, multiple submitters, no conflicts (2 of 4 stars). 2 submissions from 2 submitters: Uncertain significance (2). Last evaluated 2024-02-27.

Allele frequency attached by ClinVar (database versions not stated): gnomAD exomes below 0.00001; gnomAD 0.00001; TOPMed 0.00001.
gnomAD v4.1: 2 of 1,613,830 alleles (0.00012%); highest among the groups gnomAD compares: Non-Finnish European, 0.00017%; no homozygotes.

Submissions (2):

Labcorp Genetics (formerly Invitae), Labcorp
Classification: Uncertain significance. Last evaluated: 2024-02-27. Review status: criteria provided, single submitter. Criteria: Invitae Variant Classification Sherloc (09022015). Collection method: clinical testing. Allele origin: germline.
Comment: This sequence change replaces valine, which is neutral and non-polar, with alanine, which is neutral and non-polar, at codon 301 of the PDZD7 protein (p.Val301Ala). This variant is present in population databases (no rsID available, gnomAD 0.002%). This variant has not been reported in the literature in individuals affected with PDZD7-related conditions. ClinVar contains an entry for this variant (Variation ID: 1305290). Advanced modeling of protein sequence and biophysical properties (such as structural, functional, and spatial information, amino acid conservation, physicochemical variation, residue mobility, and thermodynamic stability) performed at Invitae indicates that this missense variant is not expected to disrupt PDZD7 protein function with a negative predictive value of 80%. In summary, the available evidence is currently insufficient to determine the role of this variant in disease. Therefore, it has been classified as a Variant of Uncertain Significance.

GeneDx
Classification: Uncertain significance. Last evaluated: 2019-04-25. Review status: criteria provided, single submitter. Criteria: GeneDx Variant Classification Process June 2021. Collection method: clinical testing. Allele origin: germline. Affected: yes.
Comment: Not observed at a significant frequency in large population cohorts (Lek et al., 2016); In silico analysis, which includes protein predictors and evolutionary conservation, supports a deleterious effect; Has not been previously published as pathogenic or benign to our knowledge

NM_001195263.2(PDZD7):c.902T>C (p.Val301Ala)

Gene: PDZD7 (PDZ domain containing 7; minus strand). Cytogenetic location: 10q24.31.
Variant type: single nucleotide variant.
Coding change: c.902T>C on transcript NM_001195263.2 (MANE Select); coding-DNA position 902, T replaced by C.
Protein change: p.Val301Ala; replaces valine 301 with alanine.
Molecular consequence: missense variant.
Genome position (GRCh38, 1-based): chr10:101,020,644, A>G on the plus strand (T>C on the coding strand, the complement: PDZD7 is on the minus strand). VCF-style: chr10-101020644-A-G. GRCh37 (hg19) VCF-style: chr10-102780401-A-G.
Other names: c.902T>C, p.Val301Ala (NM_001351044.2, NM_024895.5); short protein forms V301A.
Identifiers: ClinVar variation 1305290 (VCV001305290.9), dbSNP rs1299423968, ClinGen allele CA378229309.